The following is an entry in ClinVar:

NM_004168.4(SDHA):c.994C>T (p.Pro332Ser)

Gene: SDHA (succinate dehydrogenase complex flavoprotein subunit A; plus strand). Cytogenetic location: 5p15.33.
Variant type: single nucleotide variant.
Coding change: c.994C>T on transcript NM_004168.4 (MANE Select); coding-DNA position 994, C replaced by T.
Protein change: p.Pro332Ser; replaces proline 332 with serine.
Molecular consequence: missense variant.
Genome position (GRCh38, 1-based): chr5:233,575, C>T. VCF-style: chr5-233575-C-T. GRCh37 (hg19) VCF-style: chr5-233690-C-T.
Other names: p.Pro332Ser; c.850C>T, p.Pro284Ser (NM_001294332.2); c.994C>T, p.Pro332Ser (NM_001330758.2); short protein forms P332S, P284S.
Identifiers: ClinVar variation 472424 (VCV000472424.49), dbSNP rs373509391, ClinGen allele CA359012801.
Genomic context (GRCh38, chr5:233,575, plus strand): 5'-CGTGGAGAGGGAGGCATTCTCATTAACAGTCAAGGCGAAAGGTTTATGGAGCGATACGCC[C>T]CTGTCGCGAAGGACCTGGCGTCTAGAGATGTGGTGTCTCGGTCCATGACTCTGGAGATCC-3'
Protein context (NP_004159.2, residues 322-342): QGERFMERYA[Pro332Ser]VAKDLASRDV

ClinVar aggregate classification (germline): Uncertain significance. Review status: criteria provided, multiple submitters, no conflicts (2 of 4 stars). 7 submissions from 7 submitters: Uncertain significance (7). Last evaluated 2025-10-02.

Conditions:
Sick sinus syndrome 2, autosomal dominant (SSS2). Also called: SINUS BRADYCARDIA SYNDROME, FAMILIAL, AUTOSOMAL DOMINANT; SINUS NODE DISEASE, FAMILIAL, AUTOSOMAL DOMINANT; SICK SINUS SYNDROME 2; SICK SINUS SYNDROME 2 WITH OR WITHOUT CARDIAC NONCOMPACTION AND/OR ASCENDING AORTA DILATION; ATRIAL FIBRILLATION WITH BRADYARRHYTHMIA. Identifiers: Orphanet 166282, MedGen C1834144, MONDO:0008102, OMIM 163800.
Hereditary cancer-predisposing syndrome. Also called: Hereditary neoplastic syndrome; Tumor predisposition; Neoplastic Syndromes, Hereditary; Hereditary Cancer Syndrome. Identifiers: Orphanet 140162, MedGen C0027672, MeSH D009386, MONDO:0015356.
Dilated cardiomyopathy 1GG (CMD1GG). Identifiers: Orphanet 154, MedGen C3150898, MONDO:0013339, OMIM 613642.
Mitochondrial complex II deficiency, nuclear type 1. Also called: SUCCINATE CoQ REDUCTASE DEFICIENCY. Identifiers: Orphanet 3208, MedGen C5700310, MONDO:0100294, OMIM 252011.
Leigh syndrome (NULS). Also called: Leigh Syndrome (mtDNA deletion); Leigh Disease; Leigh's syndrome; LEIGH SYNDROME, NUCLEAR; Subacute necrotizing encephalopathy; Necrotizing encephalopathy infantile subacute of Leigh. Identifiers: Orphanet 506, MedGen C2931891, MONDO:0009723, OMIM 256000.
Pheochromocytoma/paraganglioma syndrome 5. Also called: Paragangliomas 5; SDHA-Related Hereditary Paraganglioma-Pheochromocytoma Syndrome. Identifiers: Orphanet 29072, MedGen C3279992, MONDO:0013602, OMIM 614165.

gnomAD v4.1: 4 of 1,614,192 alleles (0.00025%); highest among the groups gnomAD compares: Middle Eastern, 0.066%; no homozygotes.

Submissions (7):

Labcorp Genetics (formerly Invitae), Labcorp
Classification: Uncertain significance for Pheochromocytoma/paraganglioma syndrome 5; Mitochondrial complex II deficiency, nuclear type 1. Last evaluated: 2025-10-02. Review status: criteria provided, single submitter. Criteria: Invitae Variant Classification Sherloc (09022015). Collection method: clinical testing. Allele origin: germline.
Comment: This sequence change replaces proline, which is neutral and non-polar, with serine, which is neutral and polar, at codon 332 of the SDHA protein (p.Pro332Ser). This variant is not present in population databases (gnomAD no frequency). This missense change has been observed in individual(s) with paraganglioma (PMID: 31666924). ClinVar contains an entry for this variant (Variation ID: 472424). Invitae Evidence Modeling of protein sequence and biophysical properties (such as structural, functional, and spatial information, amino acid conservation, physicochemical variation, residue mobility, and thermodynamic stability) indicates that this missense variant is not expected to disrupt SDHA protein function with a negative predictive value of 95%. In summary, the available evidence is currently insufficient to determine the role of this variant in disease. Therefore, it has been classified as a Variant of Uncertain Significance.

Genomic Medicine Center of Excellence, King Faisal Specialist Hospital and Research Centre
Classification: Uncertain significance for Sick sinus syndrome 2, autosomal dominant. Last evaluated: 2025-09-10. Review status: criteria provided, single submitter. Criteria: ACMG Guidelines, 2015. Collection method: clinical testing. Allele origin: germline.

Ambry Genetics
Classification: Uncertain significance for Hereditary cancer-predisposing syndrome. Last evaluated: 2025-09-01. Review status: criteria provided, single submitter. Criteria: Ambry Variant Classification Scheme 2023. Collection method: clinical testing. Allele origin: germline.
Comment: The p.P332S variant (also known as c.994C>T), located in coding exon 8 of the SDHA gene, results from a C to T substitution at nucleotide position 994. The proline at codon 332 is replaced by serine, an amino acid with similar properties. This variant was not reported in population based cohorts in the following databases: Database of Single Nucleotide Polymorphisms (dbSNP), NHLBI Exome Sequencing Project (ESP), and 1000 Genomes Project. In the ESP, this variant was not observed in 6503 samples (13006 alleles) with coverage at this position. To date, this alteration has been detected with an allele frequency of approximately 0.01% (greater than 10000 alleles tested) in our clinical cohort. This amino acid position is highly conserved in available vertebrate species. In addition, the in silico prediction for this alteration is inconclusive. Since supporting evidence is limited at this time, the clinical significance of this alteration remains unclear.

Blueprint Genetics
Classification: Uncertain significance. Last evaluated: 2024-06-12. Review status: criteria provided, single submitter. Criteria: ACMG Guidelines, 2015. Collection method: clinical testing. Allele origin: germline.

Mayo Clinic Laboratories, Mayo Clinic
Classification: Uncertain significance. Last evaluated: 2024-02-16. Review status: criteria provided, single submitter. Criteria: ACMG Guidelines, 2015. Collection method: clinical testing. Allele origin: germline. Observed: 2 variant alleles.
Comment: PM2

CeGaT Center for Human Genetics Tuebingen
Classification: Uncertain significance. Last evaluated: 2022-06-01. Review status: criteria provided, single submitter. Criteria: CeGaT Center For Human Genetics Tuebingen Variant Classification Criteria Version 2. Collection method: clinical testing. Allele origin: germline. Affected: yes. Observed: 1 variant allele.
Comment: SDHA: PM2

Fulgent Genetics
Classification: Uncertain significance for Mitochondrial complex II deficiency, nuclear type 1; Leigh syndrome; Dilated cardiomyopathy 1GG; Pheochromocytoma/paraganglioma syndrome 5. Last evaluated: 2018-10-31. Review status: criteria provided, single submitter. Criteria: ACMG Guidelines, 2015. Collection method: clinical testing. Allele origin: unknown.

Literature cited by the submitters: PubMed 31666924 (cited by Labcorp Genetics (formerly Invitae), Labcorp and Mayo Clinic Laboratories, Mayo Clinic).